The following is an entry in ClinVar:

NM_007078.3(LDB3):c.1232-12dup

Gene: LDB3 (LIM domain binding 3; plus strand). Cytogenetic location: 10q23.2.
Variant type: Duplication.
Coding change: c.1232-12dup on transcript NM_007078.3 (MANE Select); 12 bases into the intron before coding-DNA position 1232, one base duplicated (T; older notation c.1232-12dupT).
Molecular consequence: intron variant.
Genome position (GRCh38, 1-based): chr10:86,716,315, T duplicated; the last of 8 consecutive T bases (chr10:86,716,308-86,716,315); duplicating any one gives the same sequence. VCF-style (leftmost placement, unchanged base first): chr10-86716307-G-GT. GRCh37 (hg19) VCF-style: chr10-88476064-G-GT.
Other names: c.1043-12dup (NM_001368064.1, NM_001368065.1); c.1247-12dup (NM_001171610.2); c.1091-12dup (NM_001368066.1); c.902-12dup (NM_001080114.2); c.1232-12dupT (NM_007078.3).
Identifiers: ClinVar variation 1208861 (VCV001208861.12), dbSNP rs752301693, ClinGen allele CA5585097.
Genomic context (GRCh38, chr10:86,716,307, plus strand): 5'-TTCTCTGGCTAGGAGTGAGGGGAACTGGGAAGAATGAATTCCTGACACACCTTTCTTTGG[G>GT]TTTTTTTTGGCTTTTGCAGTGCCTGCATCTACCTACAGCCCGTCCCCAGGGGCCAATTAC-3'

ClinVar aggregate classification (germline): Benign/Likely benign. Review status: criteria provided, multiple submitters, no conflicts (2 of 4 stars). 3 submissions from 3 submitters: Benign (2); Likely benign (1). Last evaluated 2025-09-27.

Conditions:
Myofibrillar myopathy 4. Also called: Zaspopathy (type). Identifiers: Orphanet 98912, MedGen C4721886, MONDO:0012277, OMIM 609452.

Submissions (3):

Labcorp Genetics (formerly Invitae), Labcorp
Classification: Benign for Myofibrillar myopathy 4. Last evaluated: 2025-09-27. Review status: criteria provided, single submitter. Criteria: Invitae Variant Classification Sherloc (09022015). Collection method: clinical testing. Allele origin: germline.

Women's Health and Genetics/Laboratory Corporation of America, LabCorp
Classification: Benign. Last evaluated: 2024-01-29. Review status: criteria provided, single submitter. Criteria: LabCorp Variant Classification Summary - May 2015. Collection method: clinical testing. Allele origin: germline.
Comment: Variant summary: LDB3 c.1232-12dupT alters a conserved nucleotide located at a position not widely known to affect splicing. Consensus agreement among computation tools predict no significant impact on normal splicing. However, these predictions have yet to be confirmed by functional studies. The variant allele was found at a frequency of 8.1e-05 in 247206 control chromosomes, predominantly at a frequency of 0.00014 within the Non-Finnish European subpopulation in the gnomAD database. The observed variant frequency within Non-Finnish European control individuals in the gnomAD database is approximately 6 fold of the estimated maximal expected allele frequency for a pathogenic variant in LDB3 causing Cardiomyopathy phenotype (2.5e-05), strongly suggesting that the variant is a benign polymorphism found primarily in populations of Non-Finnish European origin. To our knowledge, no occurrence of c.1232-12dupT in individuals affected with Cardiomyopathy and no experimental evidence demonstrating its impact on protein function have been reported. ClinVar contains an entry for this variant (Variation ID: 1208861). Based on the evidence outlined above, the variant was classified as benign.

GeneDx
Classification: Likely benign. Last evaluated: 2019-11-13. Review status: criteria provided, single submitter. Criteria: GeneDx Variant Classification Process June 2021. Collection method: clinical testing. Allele origin: germline. Affected: yes.